The following is an entry in ClinVar:

NM_001377.3(DYNC2H1):c.3059T>A (p.Leu1020Ter)

Gene: DYNC2H1 (dynein cytoplasmic 2 heavy chain 1; plus strand). Cytogenetic location: 11q22.3.
Variant type: single nucleotide variant.
Coding change: c.3059T>A on transcript NM_001377.3 (MANE Select); coding-DNA position 3059, T replaced by A.
Protein change: p.Leu1020Ter; replaces leucine 1020 with a stop codon.
Molecular consequence: nonsense.
Genome position (GRCh38, 1-based): chr11:103,152,248, T>A. VCF-style: chr11-103152248-T-A. GRCh37 (hg19) VCF-style: chr11-103022977-T-A.
Other names: c.3059T>A, p.Leu1020Ter (NM_001080463.2); short protein forms L1020*.
Identifiers: ClinVar variation 5013159 (VCV005013159.1).

ClinVar aggregate classification (germline): Pathogenic (1 of 4 stars; one submission).

Conditions:
Asphyxiating thoracic dystrophy 3. Also called: Saldino-Noonan Syndrome; SHORT-RIB THORACIC DYSPLASIA 3 WITH OR WITHOUT POLYDACTYLY; POLYDACTYLY WITH NEONATAL CHONDRODYSTROPHY, TYPE I; SHORT-RIB THORACIC DYSPLASIA 3/6 WITH POLYDACTYLY, DIGENIC; Short rib polydactyly syndrome 2B. Identifiers: Orphanet 474, Orphanet 93269, Orphanet 93270, Orphanet 93271, MedGen C0036069, MONDO:0013127, OMIM 613091.

Submission:

Myriad Genetics, Inc.
Classification: Pathogenic for Asphyxiating thoracic dystrophy 3. Last evaluated: 2024-06-09. Review status: criteria provided, single submitter. Criteria: Myriad Autosomal Dominant, Autosomal Recessive and X-Linked Classification Criteria (2023). Collection method: clinical testing. Allele origin: unknown.
Comment: NM_001377.2(DYNC2H1):c.3059T>A(L1020*) is expected to be pathogenic in the context of DYNC2H1-related disorders. This variant is predicted to lead to an abnormal or absent protein product due to the creation of a premature termination codon in DYNC2H1, a gene where loss-of-function variants are known to be pathogenic. Please note: this variant was assessed in the context of healthy population screening.